The following is an entry in ClinVar:

NM_004247.4(EFTUD2):c.1733G>A (p.Arg578Gln)

Gene: EFTUD2 (elongation factor Tu GTP binding domain containing 2; minus strand). Cytogenetic location: 17q21.31.
Variant type: single nucleotide variant.
Coding change: c.1733G>A on transcript NM_004247.4 (MANE Select); coding-DNA position 1733, G replaced by A.
Protein change: p.Arg578Gln; replaces arginine 578 with glutamine.
Molecular consequence: missense variant.
Genome position (GRCh38, 1-based): chr17:44,860,032, C>T on the plus strand (G>A on the coding strand, the complement: EFTUD2 is on the minus strand). VCF-style: chr17-44860032-C-T. GRCh37 (hg19) VCF-style: chr17-42937400-C-T.
Other names: c.1628G>A, p.Arg543Gln (NM_001142605.2); c.1733G>A, p.Arg578Gln (NM_001258353.2); c.1703G>A, p.Arg568Gln (NM_001258354.2); short protein forms R543Q, R568Q, R578Q.
Identifiers: ClinVar variation 2068911 (VCV002068911.4), dbSNP rs768321543, ClinGen allele CA8607689.

ClinVar aggregate classification (germline): Uncertain significance (1 of 4 stars; one submission).

Allele frequency attached by ClinVar (database versions not stated): ExAC 0.00002; gnomAD 0.00001.
gnomAD v4.1: 30 of 1,614,110 alleles (0.0019%); highest among the groups gnomAD compares: Middle Eastern, 0.033%; 1 homozygote.

Submission:

Labcorp Genetics (formerly Invitae), Labcorp
Classification: Uncertain significance. Last evaluated: 2022-11-28. Review status: criteria provided, single submitter. Criteria: Invitae Variant Classification Sherloc (09022015). Collection method: clinical testing. Allele origin: germline.
Comment: This sequence change replaces arginine, which is basic and polar, with glutamine, which is neutral and polar, at codon 578 of the EFTUD2 protein (p.Arg578Gln). This variant is present in population databases (rs768321543, gnomAD 0.003%). This variant has not been reported in the literature in individuals affected with EFTUD2-related conditions. Advanced modeling of protein sequence and biophysical properties (such as structural, functional, and spatial information, amino acid conservation, physicochemical variation, residue mobility, and thermodynamic stability) performed at Invitae indicates that this missense variant is expected to disrupt EFTUD2 protein function. In summary, the available evidence is currently insufficient to determine the role of this variant in disease. Therefore, it has been classified as a Variant of Uncertain Significance.